The following is an entry in ClinVar:

ClinVar aggregate classification (germline): Uncertain significance (1 of 4 stars; one submission).

Allele frequency attached by ClinVar (database versions not stated): gnomAD exomes below 0.00001; TOPMed below 0.00001; gnomAD 0.00002.
gnomAD v4.1: 7 of 1,613,752 alleles (0.00043%); highest among the groups gnomAD compares: Admixed American, 0.005%; no homozygotes.

Submission:

Labcorp Genetics (formerly Invitae), Labcorp
Classification: Uncertain significance. Last evaluated: 2024-09-11. Review status: criteria provided, single submitter. Criteria: Invitae Variant Classification Sherloc (09022015). Collection method: clinical testing. Allele origin: germline.
Comment: This sequence change replaces glutamic acid, which is acidic and polar, with glycine, which is neutral and non-polar, at codon 756 of the KIAA1549 protein (p.Glu756Gly). This variant is not present in population databases (gnomAD no frequency). This variant has not been reported in the literature in individuals affected with KIAA1549-related conditions. ClinVar contains an entry for this variant (Variation ID: 999872). An algorithm developed to predict the effect of missense changes on protein structure and function outputs the following: PolyPhen-2: "Benign". The glycine amino acid residue is found in multiple mammalian species, which suggests that this missense change does not adversely affect protein function. In summary, the available evidence is currently insufficient to determine the role of this variant in disease. Therefore, it has been classified as a Variant of Uncertain Significance.

NM_001164665.2(KIAA1549):c.2267A>G (p.Glu756Gly)

Gene: KIAA1549 (KIAA1549; minus strand). Cytogenetic location: 7q34.
Variant type: single nucleotide variant.
Coding change: c.2267A>G on transcript NM_001164665.2 (MANE Select); coding-DNA position 2267, A replaced by G.
Protein change: p.Glu756Gly; replaces glutamic acid 756 with glycine.
Molecular consequence: missense variant.
Genome position (GRCh38, 1-based): chr7:138,917,359, T>C on the plus strand (A>G on the coding strand, the complement: KIAA1549 is on the minus strand). VCF-style: chr7-138917359-T-C. GRCh37 (hg19) VCF-style: chr7-138602105-T-C.
Other names: c.2267A>G, p.Glu756Gly (NM_020910.3); short protein forms E756G.
Identifiers: ClinVar variation 999872 (VCV000999872.8), dbSNP rs1812363500, ClinGen allele CA369393401.